The following is an entry in ClinVar:

NM_198428.3(BBS9):c.1281G>A (p.Ala427=)

Gene: BBS9 (Bardet-Biedl syndrome 9; plus strand). Cytogenetic location: 7p14.3.
Variant type: single nucleotide variant.
Coding change: c.1281G>A on transcript NM_198428.3 (MANE Select); coding-DNA position 1281, G replaced by A.
Protein change: p.Ala427=; no amino-acid change (alanine 427 retained).
Molecular consequence: synonymous variant. On other transcripts: non-coding transcript variant (3).
Genome position (GRCh38, 1-based): chr7:33,344,586, G>A. VCF-style: chr7-33344586-G-A. GRCh37 (hg19) VCF-style: chr7-33384198-G-A.
Other names: c.1281G>A (NM_198428.2); c.1281G>A, p.Ala427= (NM_001033604.2, NM_001033605.2, NM_001348036.1 and 7 more transcripts); c.915G>A, p.Ala305= (NM_001348037.3, NM_001348044.3, NM_001348045.3 and 1 more transcripts); c.1008G>A, p.Ala336= (NM_001348038.3, NM_001348039.3); c.1146G>A, p.Ala382= (NM_001348042.3).
Identifiers: ClinVar variation 2891745 (VCV002891745.4), dbSNP rs763111806, ClinGen allele CA4214247.
Genomic context (GRCh38, chr7:33,344,586, plus strand): 5'-CTGCTGTGTAATATTGACATCATTCTTTCTTGCCTTCTCAATTCTGTGTTTACAGCAAGC[G>A]ACCGATGTTGAGGTGGGAACTGACCTTGTCCCTTCTGTCACGGTGAAGGTATTGTACCAG-3'
Protein context (NP_940820.1, residues 417-437): VSPNFDSVSQ[Ala427=]TDVEVGTDLV

ClinVar aggregate classification (germline): Likely benign. Review status: criteria provided, single submitter (1 of 4 stars). 2 submissions from 2 submitters: Likely benign (1). 1 of the submissions does not count toward it. Last evaluated 2023-07-16.

Conditions:
BBS9-related disorder. Also called: BBS9-related condition.
Bardet-Biedl syndrome (BBS). Identifiers: Orphanet 110, MedGen C0752166, MONDO:0015229.

Allele frequency attached by ClinVar (database versions not stated): ExAC 0.00001; gnomAD 0.00001.
gnomAD v4.1: 5 of 1,613,872 alleles (0.00031%); highest among the groups gnomAD compares: Admixed American, 0.0017%; no homozygotes.

Submissions (2):

Labcorp Genetics (formerly Invitae), Labcorp
Classification: Likely benign for Bardet-Biedl syndrome. Last evaluated: 2023-07-16. Review status: criteria provided, single submitter. Criteria: Invitae Variant Classification Sherloc (09022015). Collection method: clinical testing. Allele origin: germline.

PreventionGenetics, part of Exact Sciences
Classification: Likely benign for BBS9-related condition. Last evaluated: 2024-04-16. Review status: no assertion criteria provided. Collection method: clinical testing. Allele origin: germline. Not counted in ClinVar's aggregate classification.
Comment: This variant is classified as likely benign based on ACMG/AMP sequence variant interpretation guidelines (Richards et al. 2015 PMID: 25741868, with internal and published modifications).